The following is an entry in ClinVar:

ClinVar aggregate classification (germline): Uncertain significance (1 of 4 stars; one submission).

Submission:

Labcorp Genetics (formerly Invitae), Labcorp
Classification: Uncertain significance. Last evaluated: 2022-05-14. Review status: criteria provided, single submitter. Criteria: Invitae Variant Classification Sherloc (09022015). Collection method: clinical testing. Allele origin: germline.
Comment: In summary, the available evidence is currently insufficient to determine the role of this variant in disease. Therefore, it has been classified as a Variant of Uncertain Significance. Algorithms developed to predict the effect of missense changes on protein structure and function output the following: SIFT: "Tolerated"; PolyPhen-2: "Benign"; Align-GVGD: "Class C0". The isoleucine amino acid residue is found in multiple mammalian species, which suggests that this missense change does not adversely affect protein function. ClinVar contains an entry for this variant (Variation ID: 937103). This variant has not been reported in the literature in individuals affected with EFEMP1-related conditions. This variant is not present in population databases (gnomAD no frequency). This sequence change replaces leucine, which is neutral and non-polar, with isoleucine, which is neutral and non-polar, at codon 5 of the EFEMP1 protein (p.Leu5Ile).

NM_001039348.3(EFEMP1):c.13C>A (p.Leu5Ile)

Gene: EFEMP1 (EGF-like fibulin extracellular matrix protein 1; minus strand). Cytogenetic location: 2p16.1.
Variant type: single nucleotide variant.
Coding change: c.13C>A on transcript NM_001039348.3 (MANE Select); coding-DNA position 13, C replaced by A.
Protein change: p.Leu5Ile; replaces leucine 5 with isoleucine.
Molecular consequence: missense variant.
Genome position (GRCh38, 1-based): chr2:55,922,428, G>T on the plus strand (C>A on the coding strand, the complement: EFEMP1 is on the minus strand). VCF-style: chr2-55922428-G-T. GRCh37 (hg19) VCF-style: chr2-56149563-G-T.
Other names: c.13C>A, p.Leu5Ile (NM_001039349.3); short protein forms L5I.
Identifiers: ClinVar variation 937103 (VCV000937103.9), dbSNP rs1670936448, ClinGen allele CA347027771.
Genomic context (GRCh38, chr2:55,922,428, plus strand): 5'-TGATGGTTTCTTCGGTGTCCTGTGACTTGACCAGCGCCAGAGTCAGCATAGTTAGGAAAA[G>T]GGCTTTCAACATTGTGAATCTCAAAGAAAATACAGGACAAACTAATGTTTAGTATCTGCT-3'
Protein context (NP_001034437.1, residues 1-15): MLKA[Leu5Ile]FLTMLTLALV